The following is an entry in ClinVar:

ClinVar aggregate classification (germline): Uncertain significance (1 of 4 stars; one submission).

Conditions:
Tuberous sclerosis 1 (TSC1). Identifiers: Orphanet 805, MedGen C1854465, MONDO:0008612, OMIM 191100.

Submission:

Labcorp Genetics (formerly Invitae), Labcorp
Classification: Uncertain significance for Tuberous sclerosis 1. Last evaluated: 2024-08-20. Review status: criteria provided, single submitter. Criteria: Invitae Variant Classification Sherloc (09022015). Collection method: clinical testing. Allele origin: germline.
Comment: This sequence change replaces glutamine, which is neutral and polar, with arginine, which is basic and polar, at codon 65 of the TSC1 protein (p.Gln65Arg). This variant is not present in population databases (gnomAD no frequency). This variant has not been reported in the literature in individuals affected with TSC1-related conditions. Invitae Evidence Modeling of protein sequence and biophysical properties (such as structural, functional, and spatial information, amino acid conservation, physicochemical variation, residue mobility, and thermodynamic stability) indicates that this missense variant is not expected to disrupt TSC1 protein function with a negative predictive value of 95%. In summary, the available evidence is currently insufficient to determine the role of this variant in disease. Therefore, it has been classified as a Variant of Uncertain Significance.

NM_000368.5(TSC1):c.194A>G (p.Gln65Arg)

Gene: TSC1 (TSC complex subunit 1; minus strand). Cytogenetic location: 9q34.13.
Variant type: single nucleotide variant.
Coding change: c.194A>G on transcript NM_000368.5 (MANE Select); coding-DNA position 194, A replaced by G.
Protein change: p.Gln65Arg; replaces glutamine 65 with arginine.
Molecular consequence: missense variant. On other transcripts: 5 prime UTR variant (9), non-coding transcript variant (4), intron variant (9).
Genome position (GRCh38, 1-based): chr9:132,927,217, T>C on the plus strand (A>G on the coding strand, the complement: TSC1 is on the minus strand). VCF-style: chr9-132927217-T-C. GRCh37 (hg19) VCF-style: chr9-135802604-T-C.
Other names: c.194A>G, p.Gln65Arg (NM_001162426.2, NM_001162427.2, NM_001406592.1 and 21 more transcripts); c.-295A>G (NM_001406615.1, NM_001406623.1); c.-262A>G (NM_001406616.1, NM_001406624.1); c.-684A>G (NM_001406626.1, NM_001406627.1, NM_001406628.1); c.-826A>G (NM_001406629.1); c.-900A>G (NM_001406630.1); c.-153-1478A>G (NM_001406620.1, NM_001406618.1, NM_001406625.1 and 5 more transcripts); c.-245-1478A>G (NM_001406614.1); short protein forms Q65R.
Identifiers: ClinVar variation 3663005 (VCV003663005.2).